The following is an entry in ClinVar:

ClinVar aggregate classification (germline): Conflicting classifications of pathogenicity. Review status: criteria provided, conflicting classifications (1 of 4 stars). 7 submissions from 7 submitters: Uncertain significance (6); Likely benign (1). Last evaluated 2026-07-14.

Conditions:
TTN-related disorder. Also called: TTN-related disorders; TTN-related condition; TTN-related disease.
Autosomal recessive limb-girdle muscular dystrophy type 2J (LGMDR10). Also called: Limb-girdle muscular dystrophy, type 2J; MUSCULAR DYSTROPHY, LIMB-GIRDLE, AUTOSOMAL RECESSIVE 10. Identifiers: Orphanet 140922, MedGen C1837342, MONDO:0012127, OMIM 608807.
Dilated cardiomyopathy 1G (CMD1G). Identifiers: Orphanet 154, MedGen C1858763, MONDO:0011400, OMIM 604145.
Cardiovascular phenotype. Identifiers: MedGen CN230736.

Allele frequency attached by ClinVar (database versions not stated): gnomAD exomes 0.00002 and 0.00004; ExAC 0.00007; TOPMed 0.00014; gnomAD 0.00015 and 0.00018; ESP Exome Variant Server 0.00017.
gnomAD v4.1: 47 of 1,613,384 alleles (0.0029%); highest among the groups gnomAD compares: African/African-American, 0.056%; no homozygotes.

Submissions (7):

PreventionGenetics, part of Exact Sciences
Classification: Uncertain significance for TTN-related condition. Last evaluated: 2026-07-14. Review status: criteria provided, single submitter. Criteria: ACMG Guidelines, 2015. Collection method: clinical testing. Allele origin: germline.
Comment: The TTN c.58971A>C variant is predicted to result in the amino acid substitution p.Glu19657Asp. To our knowledge, this variant has not been reported in the literature. This variant is reported in 0.058% of alleles in individuals of African descent in gnomAD. Although we suspect that this variant may be benign, at this time, the clinical significance of this variant is uncertain due to the absence of conclusive functional and genetic evidence.

Revvity Omics, Revvity
Classification: Uncertain significance. Last evaluated: 2023-09-24. Review status: criteria provided, single submitter. Criteria: ACMG Guidelines, 2015. Collection method: clinical testing. Allele origin: germline.

Women's Health and Genetics/Laboratory Corporation of America, LabCorp
Classification: Uncertain significance. Last evaluated: 2023-08-19. Review status: criteria provided, single submitter. Criteria: LabCorp Variant Classification Summary - May 2015. Collection method: clinical testing. Allele origin: germline.

Ambry Genetics
Classification: Uncertain significance for Cardiovascular phenotype. Last evaluated: 2019-01-14. Review status: criteria provided, single submitter. Criteria: Ambry Variant Classification Scheme 2023. Collection method: clinical testing. Allele origin: germline.
Comment: The p.E10592D variant (also known as c.31776A>C), located in coding exon 126 of the TTN gene, results from an A to C substitution at nucleotide position 31776. The glutamic acid at codon 10592 is replaced by aspartic acid, an amino acid with highly similar properties. This amino acid position is highly conserved in available vertebrate species. In addition, this alteration is predicted to be tolerated by in silico analysis. Since supporting evidence is limited at this time, the clinical significance of this alteration remains unclear.

GeneDx
Classification: Likely benign. Last evaluated: 2018-03-07. Review status: criteria provided, single submitter. Criteria: GeneDx Variant Classification (06012015). Collection method: clinical testing. Allele origin: germline. Affected: yes.
Comment: This variant is considered likely benign or benign based on one or more of the following criteria: it is a conservative change, it occurs at a poorly conserved position in the protein, it is predicted to be benign by multiple in silico algorithms, and/or has population frequency not consistent with disease.

Labcorp Genetics (formerly Invitae), Labcorp
Classification: Uncertain significance for Dilated cardiomyopathy 1G; Autosomal recessive limb-girdle muscular dystrophy type 2J. Last evaluated: 2017-12-06. Review status: criteria provided, single submitter. Criteria: Invitae Variant Classification Sherloc (09022015). Collection method: clinical testing. Allele origin: germline.

Eurofins Ntd Llc (ga)
Classification: Uncertain significance. Last evaluated: 2017-06-06. Review status: criteria provided, single submitter. Criteria: EGL Classification Definitions 2015. Collection method: clinical testing. Allele origin: germline. Observed: 1 variant allele, 1 heterozygote.

NM_001267550.2(TTN):c.58971A>C (p.Glu19657Asp)

Genes: TTN (titin; minus strand), TTN-AS1 (TTN antisense RNA 1; plus strand). Cytogenetic location: 2q31.2.
Variant type: single nucleotide variant.
Coding change: c.58971A>C on transcript NM_001267550.2 (MANE Select); coding-DNA position 58971, A replaced by C.
Protein change: p.Glu19657Asp; replaces glutamic acid 19657 with aspartic acid.
Molecular consequence: missense variant.
Genome position (GRCh38, 1-based): chr2:178,593,237, T>G on the plus strand (A>C on the coding strand, the complement: TTN is on the minus strand). VCF-style: chr2-178593237-T-G. GRCh37 (hg19) VCF-style: chr2-179457964-T-G.
Other names: c.54048A>C, p.Glu18016Asp (NM_001256850.1); c.31776A>C, p.Glu10592Asp (NM_003319.4); c.51267A>C, p.Glu17089Asp (NM_133378.4); c.32151A>C, p.Glu10717Asp (NM_133432.3); c.32352A>C, p.Glu10784Asp (NM_133437.4); short protein forms E19657D, E17089D, E10592D, E10717D, E10784D, E18016D.
Identifiers: ClinVar variation 404856 (VCV000404856.14), dbSNP rs200728232, ClinGen allele CA1992749.
Genomic context (GRCh38, chr2:178,593,237, plus strand): 5'-TGGATCTTTAGCAAAGACTGGTTTGGATGGTGGGCTTGGATCTCCAATACCAATTTCATT[T>G]TCTGCAGAAACCCGGAATTCATACTGACATCCTTCTAGAAGATCAGGAACCCTAAATTTA-3'
Protein context (NP_001254479.2, residues 19647-19667): GCQYEFRVSA[Glu19657Asp]NEIGIGDPSP